The following is an entry in ClinVar:

ClinVar aggregate classification (germline): Pathogenic. Review status: criteria provided, multiple submitters, no conflicts (2 of 4 stars). 2 submissions from 2 submitters: Pathogenic (2). Last evaluated 2025-12-03.

Conditions:
Catecholaminergic polymorphic ventricular tachycardia 1. Also called: VENTRICULAR TACHYCARDIA, CATECHOLAMINERGIC POLYMORPHIC, 1, WITH OR WITHOUT ATRIAL DYSFUNCTION AND/OR DILATED CARDIOMYOPATHY; VENTRICULAR TACHYCARDIA, STRESS-INDUCED POLYMORPHIC 1; RYR2-Related Catecholaminergic Polymorphic Ventricular Tachycardia. Identifiers: Orphanet 3286, MedGen C1631597, MONDO:0011484, OMIM 604772.
Cardiovascular phenotype. Identifiers: MedGen CN230736.

Submissions (2):

Ambry Genetics
Classification: Pathogenic for Cardiovascular phenotype. Last evaluated: 2025-12-03. Review status: criteria provided, single submitter. Criteria: Ambry Variant Classification Scheme 2023. Collection method: clinical testing. Allele origin: germline.
Comment: The p.H2217Y pathogenic mutation (also known as c.6649C>T), located in coding exon 43 of the RYR2 gene, results from a C to T substitution at nucleotide position 6649. The histidine at codon 2217 is replaced by tyrosine, an amino acid with similar properties. This variant was identified in one or more individuals with features consistent with RYR2-related ventricular arrhythmia, was determined to be de novo in at least one individual, and segregated with disease features in at least one family (Hayashi M et al. Circulation, 2009 May;119:2426-34; Kawata H et al. Circ. J., 2016 Aug;80:1907-15; external communication; Ambry internal data). This amino acid position is highly conserved in available vertebrate species. In addition, this alteration is predicted to be deleterious by in silico analysis. This variant is considered to be rare based on population cohorts in the Genome Aggregation Database (gnomAD). Based on the supporting evidence, this variant is interpreted as a disease-causing mutation.

Labcorp Genetics (formerly Invitae), Labcorp
Classification: Pathogenic for Catecholaminergic polymorphic ventricular tachycardia 1. Last evaluated: 2025-08-21. Review status: criteria provided, single submitter. Criteria: Invitae Variant Classification Sherloc (09022015). Collection method: clinical testing. Allele origin: germline.
Comment: This sequence change replaces histidine, which is basic and polar, with tyrosine, which is neutral and polar, at codon 2217 of the RYR2 protein (p.His2217Tyr). This variant is not present in population databases (gnomAD no frequency). This missense change has been observed in individual(s) with clinical features of RYR2-related conditions (PMID: 19398665; internal data). In at least one individual the variant was observed to be de novo. ClinVar contains an entry for this variant (Variation ID: 957942). Invitae Evidence Modeling of protein sequence and biophysical properties (such as structural, functional, and spatial information, amino acid conservation, physicochemical variation, residue mobility, and thermodynamic stability) indicates that this missense variant is expected to disrupt RYR2 protein function with a positive predictive value of 95%. Algorithms developed to predict the effect of sequence changes on RNA splicing suggest that this variant may disrupt the consensus splice site. For these reasons, this variant has been classified as Pathogenic.

Literature cited by the submitters: PubMed 19398665 (cited by Ambry Genetics and Labcorp Genetics (formerly Invitae), Labcorp); PubMed 27452199 (cited by Ambry Genetics).

NM_001035.3(RYR2):c.6649C>T (p.His2217Tyr)

Gene: RYR2 (ryanodine receptor 2; plus strand). Cytogenetic location: 1q43.
Variant type: single nucleotide variant.
Coding change: c.6649C>T on transcript NM_001035.3 (MANE Select); coding-DNA position 6649, C replaced by T.
Protein change: p.His2217Tyr; replaces histidine 2217 with tyrosine.
Molecular consequence: missense variant.
Genome position (GRCh38, 1-based): chr1:237,633,671, C>T. VCF-style: chr1-237633671-C-T. GRCh37 (hg19) VCF-style: chr1-237796971-C-T.
Other names: short protein forms H2217Y.
Identifiers: ClinVar variation 957942 (VCV000957942.14), dbSNP rs1372052481, ClinGen allele CA345394267.